The following is an entry in ClinVar:

Single allele

Genes: THOC1 (THO complex subunit 1; minus strand), COLEC12 (collectin subfamily member 12; minus strand), USP14 (ubiquitin specific peptidase 14; plus strand), LOC130062072 (ATAC-STARR-seq lymphoblastoid active region 13019; plus strand), LOC130062073 (ATAC-STARR-seq lymphoblastoid silent region 9238; plus strand). Cytogenetic location: 18p11.32.
Variant type: Deletion.
Identifiers: ClinVar variation 560038 (VCV000560038.3).

ClinVar aggregate classification (germline): Likely benign (1 of 4 stars; one submission).

Submission:

Geisinger Autism and Developmental Medicine Institute, Geisinger Health System
Classification: Likely benign. Last evaluated: 2018-04-05. Review status: criteria provided, single submitter. Criteria: ACMG CNV Guidelines, 2011. Collection method: provider interpretation. Allele origin: unknown.